The following is an entry in ClinVar:

NM_001365536.1(SCN9A):c.3619G>A (p.Gly1207Ser)

Genes: SCN9A (sodium voltage-gated channel alpha subunit 9; minus strand), SCN1A-AS1 (SCN1A and SCN9A antisense RNA 1; plus strand). Cytogenetic location: 2q24.3.
Variant type: single nucleotide variant.
Coding change: c.3619G>A on transcript NM_001365536.1 (MANE Select); coding-DNA position 3619, G replaced by A.
Protein change: p.Gly1207Ser; replaces glycine 1207 with serine.
Molecular consequence: missense variant.
Genome position (GRCh38, 1-based): chr2:166,242,510, C>T on the plus strand (G>A on the coding strand, the complement: SCN9A is on the minus strand). VCF-style: chr2-166242510-C-T. GRCh37 (hg19) VCF-style: chr2-167099020-C-T.
Other names: c.3586G>A, p.Gly1196Ser (NM_002977.4); short protein forms G1196S, G1207S.
Identifiers: ClinVar variation 2922174 (VCV002922174.3), dbSNP rs775143721, ClinGen allele CA1944025.

ClinVar aggregate classification (germline): Uncertain significance (1 of 4 stars; one submission).

Conditions:
Neuropathy, hereditary sensory and autonomic, type 2A (HSAN2A). Also called: ACROOSTEOLYSIS, GIACCAI TYPE; HSAN IIA; MORVAN DISEASE; NEUROPATHY, CONGENITAL SENSORY; NEUROPATHY, HEREDITARY SENSORY RADICULAR, AUTOSOMAL RECESSIVE; NEUROPATHY, HEREDITARY SENSORY, TYPE IIA. Identifiers: Orphanet 970, MedGen C2752089, MONDO:0024309, OMIM 201300.
Generalized epilepsy with febrile seizures plus, type 7 (GEFSP7). Also called: GEFS+, TYPE 7. Identifiers: Orphanet 36387, MedGen C2751778, MONDO:0013470, OMIM 613863.

Allele frequency attached by ClinVar (database versions not stated): ExAC 0.00002.

Submission:

Labcorp Genetics (formerly Invitae), Labcorp
Classification: Uncertain significance for Neuropathy, hereditary sensory and autonomic, type 2A; Generalized epilepsy with febrile seizures plus, type 7. Last evaluated: 2024-01-13. Review status: criteria provided, single submitter. Criteria: Invitae Variant Classification Sherloc (09022015). Collection method: clinical testing. Allele origin: germline.
Comment: This sequence change replaces glycine, which is neutral and non-polar, with serine, which is neutral and polar, at codon 1196 of the SCN9A protein (p.Gly1196Ser). The frequency data for this variant in the population databases is considered unreliable, as metrics indicate poor data quality at this position in the gnomAD database. This variant has not been reported in the literature in individuals affected with SCN9A-related conditions. Advanced modeling of protein sequence and biophysical properties (such as structural, functional, and spatial information, amino acid conservation, physicochemical variation, residue mobility, and thermodynamic stability) has been performed at Invitae for this missense variant, however the output from this modeling did not meet the statistical confidence thresholds required to predict the impact of this variant on SCN9A protein function. In summary, the available evidence is currently insufficient to determine the role of this variant in disease. Therefore, it has been classified as a Variant of Uncertain Significance.